The following is an entry in ClinVar:

NM_000057.4(BLM):c.2711T>C (p.Met904Thr)

Gene: BLM (BLM RecQ like helicase; plus strand). Cytogenetic location: 15q26.1.
Variant type: single nucleotide variant.
Coding change: c.2711T>C on transcript NM_000057.4 (MANE Select); coding-DNA position 2711, T replaced by C.
Protein change: p.Met904Thr; replaces methionine 904 with threonine.
Molecular consequence: missense variant.
Genome position (GRCh38, 1-based): chr15:90,784,969, T>C. VCF-style: chr15-90784969-T-C. GRCh37 (hg19) VCF-style: chr15-91328199-T-C.
Other names: c.2711T>C, p.Met904Thr (NM_001287246.2, NM_001287247.2); c.1586T>C, p.Met529Thr (NM_001287248.2); short protein forms M529T, M904T.
Identifiers: ClinVar variation 1795082 (VCV001795082.4), dbSNP rs1160442115, ClinGen allele CA393845946.
Genomic context (GRCh38, chr15:90,784,969, plus strand): 5'-GTTTCTTGGCAGATGATTCAGGGATAATTTACTGCCTCTCCAGGCGAGAATGTGACACCA[T>C]GGCTGACACGTTACAGAGAGATGGGCTCGCTGCTCTTGCTTACCATGCTGGCCTCAGTGA-3'
Protein context (NP_000048.1, residues 894-914): YCLSRRECDT[Met904Thr]ADTLQRDGLA

ClinVar aggregate classification (germline): Uncertain significance. Review status: criteria provided, multiple submitters, no conflicts (2 of 4 stars). 2 submissions from 2 submitters: Uncertain significance (2). Last evaluated 2024-01-11.

Conditions:
Hereditary cancer-predisposing syndrome. Also called: Tumor predisposition; Hereditary Cancer Syndrome; Neoplastic Syndromes, Hereditary; Hereditary neoplastic syndrome. Identifiers: Orphanet 140162, MedGen C0027672, MeSH D009386, MONDO:0015356.
Bloom syndrome (BLM). Also called: Bloom-Torre-Machacek syndrome. Identifiers: Orphanet 125, MedGen C0005859, MONDO:0008876, OMIM 210900.

Allele frequency attached by ClinVar (database versions not stated): gnomAD exomes below 0.00001; gnomAD 0.00001.
gnomAD v4.1: 6 of 1,614,082 alleles (0.00037%); highest among the groups gnomAD compares: Non-Finnish European, 0.00042%; no homozygotes.

Submissions (2):

Labcorp Genetics (formerly Invitae), Labcorp
Classification: Uncertain significance for Bloom syndrome. Last evaluated: 2024-01-11. Review status: criteria provided, single submitter. Criteria: Invitae Variant Classification Sherloc (09022015). Collection method: clinical testing. Allele origin: germline.
Comment: This sequence change replaces methionine, which is neutral and non-polar, with threonine, which is neutral and polar, at codon 904 of the BLM protein (p.Met904Thr). This variant is present in population databases (no rsID available, gnomAD 0.0009%). This variant has not been reported in the literature in individuals affected with BLM-related conditions. ClinVar contains an entry for this variant (Variation ID: 1795082). Advanced modeling of protein sequence and biophysical properties (such as structural, functional, and spatial information, amino acid conservation, physicochemical variation, residue mobility, and thermodynamic stability) performed at Invitae indicates that this missense variant is not expected to disrupt BLM protein function with a negative predictive value of 80%. In summary, the available evidence is currently insufficient to determine the role of this variant in disease. Therefore, it has been classified as a Variant of Uncertain Significance.

Ambry Genetics
Classification: Uncertain significance for Hereditary cancer-predisposing syndrome. Last evaluated: 2023-11-06. Review status: criteria provided, single submitter. Criteria: Ambry Variant Classification Scheme 2023. Collection method: clinical testing. Allele origin: germline.
Comment: The p.M904T variant (also known as c.2711T>C), located in coding exon 13 of the BLM gene, results from a T to C substitution at nucleotide position 2711. The methionine at codon 904 is replaced by threonine, an amino acid with similar properties. This amino acid position is well conserved in available vertebrate species. In addition, the in silico prediction for this alteration is inconclusive. Since supporting evidence is limited at this time, the clinical significance of this alteration remains unclear.